The following is an entry in ClinVar:

NM_006941.4(SOX10):c.207_208del (p.Cys71fs)

Genes: POLR2F (RNA polymerase II, I and III subunit F; plus strand), SOX10 (SRY-box transcription factor 10; minus strand). Cytogenetic location: 22q13.1.
Variant type: Deletion.
Coding change: c.207_208del on transcript NM_006941.4 (MANE Select); coding-DNA positions 207 to 208, 2 bases deleted (CG; older notation c.207_208delCG).
Protein change: p.Cys71fs; shifts the reading frame from cysteine 71.
Molecular consequence: frameshift variant. On other transcripts: intron variant (3).
Genome position (GRCh38, 1-based): chr22:37,983,577-37,983,578, CG deleted on the plus strand (CG on the coding strand, the reverse complement: SOX10 is on the minus strand). VCF-style (leftmost placement, unchanged base first): chr22-37983576-ACG-A. GRCh37 (hg19) VCF-style: chr22-38379583-ACG-A.
Other names: c.*38+11267_*38+11268del (NM_001363825.1); c.294-2577_294-2576del (NM_001301130.2); c.293+16407_293+16408del (NM_001301131.2); short protein forms C71fs.
Identifiers: ClinVar variation 872923 (VCV000872923.5), dbSNP rs1932469753, ClinGen allele CA1139667112.

ClinVar aggregate classification (germline): Pathogenic (0 of 4 stars; one submission).

Conditions:
PCWH syndrome. Also called: WAARDENBURG-SHAH SYNDROME, NEUROLOGIC VARIANT. Identifiers: Orphanet 163746, MedGen C1836727, MONDO:0012198, OMIM 609136.

Submission:

Department of Pediatrics, Division of Medical Genetics, Faculty of Medicine Ramathibodi Hospital, Mahidol University
Classification: Pathogenic for PCWH syndrome. Last evaluated: 2020-05-02. Review status: no assertion criteria provided. Collection method: research. Allele origin: de novo. Inheritance: Sporadic. Affected: yes. Observed: 1 heterozygote.
Comment: 1. de novo occurrence. 2. supporting evidences from functional studies: reporter assay confirmed sever disruption of MITF transcription activation activity ; subcellular localization study indicated loss of nuclear localization compared to wildtype SOX10. multiple in silico prediction (SIFT, Polyphen-2, Mutpred), segregation studies, absence from controls, and functional evidence.